The following is an entry in ClinVar:

NC_000002.12:g.121530895G>C

Genes: CLASP1 (cytoplasmic linker associated protein 1; minus strand), CLASP1-AS1 (CLASP1 antisense RNA 1; plus strand), RNU4ATAC (RNA, U4atac small nuclear; plus strand). Cytogenetic location: 2q14.2.
Variant type: single nucleotide variant.
Molecular consequence: intron variant (on NM_001395891.1).
Genome position: GRCh38 VCF-style: chr2-121530895-G-C. GRCh37 (hg19) VCF-style: chr2-122288471-G-C.
Other names: c.196-570C>G (NM_001142274.2, NM_015282.3, NM_001378003.1 and 5 more transcripts).
Identifiers: ClinVar variation 1469262 (VCV001469262.4), dbSNP rs750325275, ClinGen allele CA428887824.

ClinVar aggregate classification (germline): Uncertain significance. Review status: criteria provided, multiple submitters, no conflicts (2 of 4 stars). 2 submissions from 2 submitters: Uncertain significance (2). Last evaluated 2022-07-09.

gnomAD v4.1: 1 of 693,922 alleles (0.00014%); highest among the groups gnomAD compares: Admixed American, 0.002%; no homozygotes.

Submissions (2):

Labcorp Genetics (formerly Invitae), Labcorp
Classification: Uncertain significance. Last evaluated: 2022-07-09. Review status: criteria provided, single submitter. Criteria: Invitae Variant Classification Sherloc (09022015). Collection method: clinical testing. Allele origin: germline.
Comment: This variant occurs in the RNU4ATAC gene, which encodes an RNA molecule that does not result in a protein product. This variant is not present in population databases (gnomAD no frequency). This variant has not been reported in the literature in individuals affected with RNU4ATAC-related conditions. ClinVar contains an entry for this variant (Variation ID: 1469262). Experimental studies and prediction algorithms are not available or were not evaluated, and the functional significance of this variant is currently unknown. This variant disrupts the n.16G nucleotide in the RNU4ATAC gene. Other variant(s) that disrupt this nucleotide have been determined to be pathogenic (PMID: 26522830, 28669401, 29263834, 29391254, 32595695). This suggests that this nucleotide is clinically significant, and that variants that disrupt this position are likely to be disease-causing. In summary, the available evidence is currently insufficient to determine the role of this variant in disease. Therefore, it has been classified as a Variant of Uncertain Significance.

Institute for Human Genetics, University Hospital Essen
Classification: Uncertain significance. Last evaluated: 2005-03-05. Review status: criteria provided, single submitter. Criteria: ACMG Guidelines, 2015. Collection method: clinical testing. Allele origin: de novo. Affected: yes.
Comment: PM2_supp, PS2

Literature cited by the submitters: PubMed 26522830 (cited by Labcorp Genetics (formerly Invitae), Labcorp); PubMed 28669401 (cited by Labcorp Genetics (formerly Invitae), Labcorp); PubMed 29263834 (cited by Labcorp Genetics (formerly Invitae), Labcorp); PubMed 29391254 (cited by Labcorp Genetics (formerly Invitae), Labcorp); PubMed 32595695 (cited by Labcorp Genetics (formerly Invitae), Labcorp).